The following is an entry in ClinVar:

NM_015978.3(TNNI3K):c.1661A>G (p.Gln554Arg)

Genes: FPGT-TNNI3K (FPGT-TNNI3K readthrough; plus strand), TNNI3K (TNNI3 interacting kinase; plus strand). Cytogenetic location: 1p31.1.
Variant type: single nucleotide variant.
Coding change: c.1661A>G on transcript NM_015978.3 (MANE Select); coding-DNA position 1661, A replaced by G.
Protein change: p.Gln554Arg; replaces glutamine 554 with arginine.
Molecular consequence: missense variant.
Genome position (GRCh38, 1-based): chr1:74,369,579, A>G. VCF-style: chr1-74369579-A-G. GRCh37 (hg19) VCF-style: chr1-74835263-A-G.
Other names: c.1964A>G, p.Gln655Arg (NM_001112808.3, NM_001199327.2); short protein forms Q554R, Q655R.
Identifiers: ClinVar variation 2638878 (VCV002638878.24), dbSNP rs2524471550, ClinGen allele CA340786453.

ClinVar aggregate classification (germline): Uncertain significance (1 of 4 stars; one submission).

Submission:

CeGaT Center for Human Genetics Tuebingen
Classification: Uncertain significance. Last evaluated: 2023-10-01. Review status: criteria provided, single submitter. Criteria: CeGaT Center For Human Genetics Tuebingen Variant Classification Criteria Version 2. Collection method: clinical testing. Allele origin: germline. Affected: yes. Observed: 1 variant allele.
Comment: TNNI3K: PM2, BP4